The following is an entry in ClinVar:

ClinVar aggregate classification (germline): Uncertain significance. Review status: criteria provided, multiple submitters, no conflicts (2 of 4 stars). 2 submissions from 2 submitters: Uncertain significance (2). Last evaluated 2026-01-26.

Conditions:
FGFR2-related craniosynostosis. Identifiers: MedGen CN231480.
Jackson-Weiss syndrome (JWS). Also called: CRANIOSYNOSTOSIS, MIDFACIAL HYPOPLASIA, AND FOOT ABNORMALITIES. Identifiers: Orphanet 1540, MedGen C0795998, MONDO:0007400, OMIM 123150. Disease mechanism: loss of function.
Acrocephalosyndactyly type I (ACS1). Also called: Apert syndrome; Acrocephalo-syndactyly type 1; ACS 1; Syndactylic oxycephaly. Identifiers: Orphanet 87, MedGen C0001193, MONDO:0007041, OMIM 101200.
Levy-Hollister syndrome (LADD). Also called: LADD syndrome. Identifiers: Orphanet 2363, MedGen C0265269, MONDO:0007872.
Crouzon syndrome. Also called: CRANIOFACIAL DYSOSTOSIS, TYPE I; Craniofacial dysostosis; Craniofacial dysostosis type 1; Crouzon craniofacial dysostosis; Crouzon disease. Identifiers: Orphanet 207, MedGen C0010273, MeSH D003394, MONDO:0007405, OMIM 123500, HP:0004439.
Beare-Stevenson cutis gyrata syndrome (BSTVS). Identifiers: Orphanet 1555, MedGen C1852406, MONDO:0007412, OMIM 123790.
Antley-Bixler syndrome without genital anomalies or disordered steroidogenesis (ABS2). Also called: Antley-Bixler Syndrome, Autosomal Dominant; Trapezoidocephaly synostosis syndrome; Osteodysgenesis, multisynostotic with fractures; MULTISYNOSTOTIC OSTEODYSGENESIS WITH LONG BONE FRACTURES. Identifiers: Orphanet 596008, Orphanet 83, MedGen C2936791, MONDO:0020667, OMIM 207410.
Pfeiffer syndrome (ACS5). Also called: ACS V. Identifiers: Orphanet 710, MedGen C0220658, MONDO:0007043, OMIM 101600.
Saethre-Chotzen syndrome (SCS). Also called: ACROCEPHALY, SKULL ASYMMETRY, AND MILD SYNDACTYLY; ACS III; CHOTZEN SYNDROME. Identifiers: Orphanet 794, MedGen C0175699, MONDO:0007042, OMIM 101400.
Familial scaphocephaly syndrome, McGillivray type. Also called: SCAPHOCEPHALY, MAXILLARY RETRUSION, AND IMPAIRED INTELLECTUAL DEVELOPMENT. Identifiers: Orphanet 168624, MedGen C1865070, MONDO:0012307, OMIM 609579.
Bent bone dysplasia syndrome 1 (BBDS1). Also called: FGFR2-related bent bone dysplasia. Identifiers: Orphanet 313855, MedGen C3281247, MONDO:0013815, OMIM 614592.
Gastric cancer. Also called: Stomach cancer; Malignant tumor of stomach. Identifiers: MedGen C0024623, MeSH D013274, MONDO:0001056, OMIM 613659, HP:0012126.

Allele frequency attached by ClinVar (database versions not stated): gnomAD exomes below 0.00001; ExAC 0.00001; gnomAD 0.00001.
gnomAD v4.1: 3 of 1,613,902 alleles (0.00019%); highest among the groups gnomAD compares: East Asian, 0.0022%; no homozygotes.

Submissions (2):

Labcorp Genetics (formerly Invitae), Labcorp
Classification: Uncertain significance for FGFR2-related craniosynostosis. Last evaluated: 2026-01-26. Review status: criteria provided, single submitter. Criteria: Invitae Variant Classification Sherloc (09022015). Collection method: clinical testing. Allele origin: germline.
Comment: This sequence change replaces proline, which is neutral and non-polar, with leucine, which is neutral and non-polar, at codon 263 of the FGFR2 protein (p.Pro263Leu). This variant is present in population databases (rs779326224, gnomAD 0.007%). This missense change has been observed in individual(s) with Crouzon syndrome (PMID: 11173845). ClinVar contains an entry for this variant (Variation ID: 1000825). Invitae Evidence Modeling of protein sequence and biophysical properties (such as structural, functional, and spatial information, amino acid conservation, physicochemical variation, residue mobility, and thermodynamic stability) indicates that this missense variant is not expected to disrupt FGFR2 protein function with a negative predictive value of 80%. In summary, the available evidence is currently insufficient to determine the role of this variant in disease. Therefore, it has been classified as a Variant of Uncertain Significance.

Fulgent Genetics
Classification: Uncertain significance for Acrocephalosyndactyly type I; Saethre-Chotzen syndrome; Pfeiffer syndrome; Jackson-Weiss syndrome; Crouzon syndrome; Beare-Stevenson cutis gyrata syndrome; LADD syndrome 1; Antley-Bixler syndrome without genital anomalies or disordered steroidogenesis; Familial scaphocephaly syndrome, McGillivray type; Gastric cancer; Bent bone dysplasia syndrome 1. Last evaluated: 2022-03-24. Review status: criteria provided, single submitter. Criteria: ACMG Guidelines, 2015. Collection method: clinical testing. Allele origin: unknown.

Literature cited by the submitters: PubMed 11173845 (cited by Labcorp Genetics (formerly Invitae), Labcorp).

NM_000141.5(FGFR2):c.788C>T (p.Pro263Leu)

Gene: FGFR2 (fibroblast growth factor receptor 2; minus strand). Cytogenetic location: 10q26.13.
Variant type: single nucleotide variant.
Coding change: c.788C>T on transcript NM_000141.5 (MANE Select); coding-DNA position 788, C replaced by T.
Protein change: p.Pro263Leu; replaces proline 263 with leucine.
Molecular consequence: missense variant. On other transcripts: non-coding transcript variant (1), intron variant (1).
Genome position (GRCh38, 1-based): chr10:121,520,130, G>A on the plus strand (C>T on the coding strand, the complement: FGFR2 is on the minus strand). VCF-style: chr10-121520130-G-A. GRCh37 (hg19) VCF-style: chr10-123279644-G-A.
Other names: c.788C>T, p.Pro263Leu (NM_001144913.1, NM_001144917.2, NM_001320658.2 and 1 more transcripts); c.521C>T, p.Pro174Leu (NM_001144915.2, NM_001144919.2, NM_023029.3); c.443C>T, p.Pro148Leu (NM_001144916.2, NM_001144918.2); c.104C>T, p.Pro35Leu (NM_001320654.2); c.749-4811C>T (NM_001144914.1); short protein forms P148L, P174L, P263L, P35L.
Identifiers: ClinVar variation 1000825 (VCV001000825.10), dbSNP rs779326224, ClinGen allele CA5720998.